The following is an entry in ClinVar:

ClinVar aggregate classification (germline): Uncertain significance (1 of 4 stars; one submission).

Conditions:
Osteogenesis imperfecta type I (OI1). Also called: Osteogenesis imperfecta type 1; Lobstein's Disease; Classic Non-deforming Osteogenesis Imperfecta with Blue Sclerae; Lobstein disease; OI, TYPE I; OSTEOGENESIS IMPERFECTA TARDA. Identifiers: Orphanet 216796, Orphanet 666, MedGen C0023931, MONDO:0008146, OMIM 166200. Disease mechanism: loss of function.

Submission:

Neuberg Centre For Genomic Medicine, NCGM
Classification: Uncertain significance for Osteogenesis imperfecta type I. Review status: criteria provided, single submitter. Criteria: ACMG Guidelines, 2015. Collection method: clinical testing. Allele origin: germline. Inheritance: Autosomal dominant inheritance. Affected: yes.
Comment: The missense variant p.D1441E in COL1A1 (NM_000088.4) causes a change at the same amino acid residue as a previously established pathogenic variant. The p.D1441E variant is novel (not in any individuals) in gnomAD Exomes and is novel (not in any individuals) in 1000 Genomes. There is a small physicochemical difference between aspartic acid and glutamic acid, which is not likely to impact secondary protein structure as these residues share similar properties. The variant is predicted to be damaging by both SIFT and PolyPhen2. The residue is conserved across species. The amino acid change p.Asp1441Glu in COL1A1 is predicted as conserved by GERP++ and PhyloP across 100 vertebrates. For these reasons, this variant has been classified as Uncertain Significance.

NM_000088.4(COL1A1):c.4323T>A (p.Asp1441Glu)

Gene: COL1A1 (collagen type I alpha 1 chain; minus strand). Cytogenetic location: 17q21.33.
Variant type: single nucleotide variant.
Coding change: c.4323T>A on transcript NM_000088.4 (MANE Select); coding-DNA position 4323, T replaced by A.
Protein change: p.Asp1441Glu; replaces aspartic acid 1441 with glutamic acid.
Molecular consequence: missense variant.
Genome position (GRCh38, 1-based): chr17:50,185,574, A>T on the plus strand (T>A on the coding strand, the complement: COL1A1 is on the minus strand). VCF-style: chr17-50185574-A-T. GRCh37 (hg19) VCF-style: chr17-48262935-A-T.
Other names: short protein forms D1441E.
Identifiers: ClinVar variation 2585355 (VCV002585355.1), dbSNP rs748650672, ClinGen allele CA400190372.